The following is an entry in ClinVar:

ClinVar aggregate classification (germline): Uncertain significance. Review status: criteria provided, multiple submitters, no conflicts (2 of 4 stars). 2 submissions from 2 submitters: Uncertain significance (2). Last evaluated 2025-11-20.

Conditions:
Tuberous sclerosis syndrome (TSC). Also called: Tuberous sclerosis; Tuberous Sclerosis Complex. Identifiers: Orphanet 805, MedGen C0041341, MONDO:0001734.
Hereditary cancer-predisposing syndrome. Also called: Neoplastic Syndromes, Hereditary; Tumor predisposition; Hereditary neoplastic syndrome; Hereditary Cancer Syndrome. Identifiers: Orphanet 140162, MedGen C0027672, MeSH D009386, MONDO:0015356.

Submissions (2):

Ambry Genetics
Classification: Uncertain significance for Hereditary cancer-predisposing syndrome. Last evaluated: 2025-11-20. Review status: criteria provided, single submitter. Criteria: Ambry Variant Classification Scheme 2023. Collection method: clinical testing. Allele origin: germline.
Comment: The p.V465L variant (also known as c.1393G>T), located in coding exon 13 of the TSC2 gene, results from a G to T substitution at nucleotide position 1393. The valine at codon 465 is replaced by leucine, an amino acid with highly similar properties. This amino acid position is highly conserved in available vertebrate species. In addition, the in silico prediction for this alteration is inconclusive. Based on the available evidence, the clinical significance of this variant remains unclear.

All of Us Research Program, National Institutes of Health
Classification: Uncertain significance for Tuberous sclerosis syndrome. Last evaluated: 2023-06-26. Review status: criteria provided, single submitter. Criteria: ACMG Guidelines, 2015. Collection method: clinical testing. Allele origin: germline. Inheritance: Autosomal dominant inheritance. Observed: 1 variant allele, 1 heterozygote.
Comment: This missense variant replaces valine with leucine at codon 465 of the TSC2 protein. Computational prediction suggests that this variant may not impact protein structure and function (internally defined REVEL score threshold <= 0.5, PMID: 27666373). To our knowledge, functional studies have not been reported for this variant. This variant has not been reported in individuals affected with tuberous sclerosis complex in the literature. This variant has not been identified in the general population by the Genome Aggregation Database (gnomAD). The available evidence is insufficient to determine the role of this variant in disease conclusively. Therefore, this variant is classified as a Variant of Uncertain Significance.

This study involves interpretation of variants in research participants for the purpose of population health screening. Participant phenotype was not available at the time of variant classification. Additional details can be found in publication PMID: 35346344, PMCID: PMC8962531

NM_000548.5(TSC2):c.1393G>T (p.Val465Leu)

Gene: TSC2 (TSC complex subunit 2; plus strand). Cytogenetic location: 16p13.3.
Variant type: single nucleotide variant.
Coding change: c.1393G>T on transcript NM_000548.5 (MANE Select); coding-DNA position 1393, G replaced by T.
Protein change: p.Val465Leu; replaces valine 465 with leucine.
Molecular consequence: missense variant. On other transcripts: non-coding transcript variant (5), intron variant (1).
Genome position (GRCh38, 1-based): chr16:2,063,003, G>T. VCF-style: chr16-2063003-G-T. GRCh37 (hg19) VCF-style: chr16-2113004-G-T.
Other names: c.1393G>T, p.Val465Leu (NM_001406663.1, NM_001406664.1, NM_001406665.1 and 6 more transcripts); c.1483G>T, p.Val495Leu (NM_001406667.1, NM_001406668.1); c.1282G>T, p.Val428Leu (NM_001406670.1, NM_001318827.2, NM_001406678.1); c.1381G>T, p.Val461Leu (NM_001406671.1, NM_001406673.1); c.1246G>T, p.Val416Leu (NM_001406675.1, NM_001318829.2, NM_001406676.1 and 1 more transcripts); c.793G>T, p.Val265Leu (NM_001406686.1, NM_001406687.1, NM_001406688.1 and 6 more transcripts); c.49G>T, p.Val17Leu (NM_001406689.1, NM_001406690.1, NM_001406691.1 and 6 more transcripts); c.-160+403G>T (NM_001406698.1); and 3 more; short protein forms V17L, V265L, V311L, V416L, V428L, V446L, V461L, V465L.
Identifiers: ClinVar variation 3069228 (VCV003069228.2), dbSNP rs758874054, ClinGen allele CA394323791.
Genomic context (GRCh38, chr16:2,063,003, plus strand): 5'-ACCCGCCCCAGCAGGCTGCCGTCCCGCAGGAGCGAGTCCCGAGGCGCCGTGCGCATCAAG[G>T]TGCTGGACGTGCTGTCCTTTGTGCTGCTCATCAACAGGCAGTTCTATGAGGTGCGTGTCC-3'
Protein context (NP_000539.2, residues 455-475): SESRGAVRIK[Val465Leu]LDVLSFVLLI